The following is an entry in ClinVar:

NM_001110556.2(FLNA):c.1604A>G (p.Asp535Gly)

Gene: FLNA (filamin A; minus strand). Cytogenetic location: Xq28.
Variant type: single nucleotide variant.
Coding change: c.1604A>G on transcript NM_001110556.2 (MANE Select); coding-DNA position 1604, A replaced by G.
Protein change: p.Asp535Gly; replaces aspartic acid 535 with glycine.
Molecular consequence: missense variant.
Genome position (GRCh38, 1-based): chrX:154,365,223, T>C on the plus strand (A>G on the coding strand, the complement: FLNA is on the minus strand). VCF-style: chrX-154365223-T-C. GRCh37 (hg19) VCF-style: chrX-153593591-T-C.
Other names: c.1604A>G, p.Asp535Gly (NM_001456.4); short protein forms D535G.
Identifiers: ClinVar variation 3515878 (VCV003515878.1).

ClinVar aggregate classification (germline): Uncertain significance (1 of 4 stars; one submission).

Conditions:
Familial thoracic aortic aneurysm and aortic dissection (TAAD). Also called: Thoracic aortic aneurysms and dissections. Identifiers: Orphanet 91387, MedGen C4707243, MONDO:0019625.

gnomAD v4.1: 1 of 1,211,064 alleles (0.000083%); highest among the groups gnomAD compares: Non-Finnish European, 0.00011%; no homozygotes.

Submission:

Ambry Genetics
Classification: Uncertain significance for Familial thoracic aortic aneurysm and aortic dissection. Last evaluated: 2024-12-02. Review status: criteria provided, single submitter. Criteria: Ambry Variant Classification Scheme 2023. Collection method: clinical testing. Allele origin: germline.
Comment: The p.D535G variant (also known as c.1604A>G), located in coding exon 10 of the FLNA gene, results from an A to G substitution at nucleotide position 1604. The aspartic acid at codon 535 is replaced by glycine, an amino acid with similar properties. This amino acid position is well conserved in available vertebrate species. In addition, the in silico prediction for this alteration is inconclusive. Based on the available evidence, the clinical significance of this variant remains unclear.